The following is an entry in ClinVar:

ClinVar aggregate classification (germline): Benign (1 of 4 stars; one submission).

Allele frequency attached by ClinVar (database versions not stated): 1000 Genomes Project 30x 0.20862; 1000 Genomes Project 0.20966; TOPMed 0.26707; gnomAD 0.27607 and 0.27745.
gnomAD v4.1: 42,095 of 152,048 alleles (28%); highest among the groups gnomAD compares: Middle Eastern, 41%; 6,574 homozygotes.

Submission:

GeneDx
Classification: Benign. Last evaluated: 2018-06-15. Review status: criteria provided, single submitter. Criteria: GeneDx Variant Classification (06012015). Collection method: clinical testing. Allele origin: germline. Affected: yes.
Comment: This variant is considered likely benign or benign based on one or more of the following criteria: it is a conservative change, it occurs at a poorly conserved position in the protein, it is predicted to be benign by multiple in silico algorithms, and/or has population frequency not consistent with disease.

NM_004415.4(DSP):c.2631-159G>A

Gene: DSP (desmoplakin; plus strand). Cytogenetic location: 6p24.3.
Variant type: single nucleotide variant.
Coding change: c.2631-159G>A on transcript NM_004415.4 (MANE Select); 159 bases into the intron before coding-DNA position 2631, G replaced by A.
Molecular consequence: intron variant.
Genome position (GRCh38, 1-based): chr6:7,576,135, G>A. VCF-style: chr6-7576135-G-A. GRCh37 (hg19) VCF-style: chr6-7576368-G-A.
Other names: c.2631-159G>A (NM_001319034.2, NM_001008844.3).
Identifiers: ClinVar variation 672204 (VCV000672204.1), dbSNP rs2806232, ClinGen allele CA15436749.
Genomic context (GRCh38, chr6:7,576,135, plus strand): 5'-GTGCCACATTTTGTTGATCTTTTCATCAGTTGATACCTGAGTTGTTTCCAGTTTTTGGCT[G>A]TGATAAAAAGTGCTGCTATGAACATTCATGTATAAGTTTTTATGTGGGAATATGATCAGT-3'